The following is an entry in ClinVar:

ClinVar aggregate classification (germline): Pathogenic/Likely pathogenic. Review status: criteria provided, multiple submitters, no conflicts (2 of 4 stars). 2 submissions from 2 submitters: Pathogenic (1); Likely pathogenic (1). Last evaluated 2024-01-09.

Conditions:
IMPG1-related disorder. Also called: IMPG1-related condition.

Allele frequency attached by ClinVar (database versions not stated): gnomAD 0.00001; gnomAD exomes 0.00001 and 0.00002; TOPMed 0.00001; ExAC 0.00002.
gnomAD v4.1: 12 of 1,613,696 alleles (0.00074%); highest among the groups gnomAD compares: Admixed American, 0.0017%; no homozygotes.

Submissions (2):

Blueprint Genetics
Classification: Likely pathogenic for IMPG1-related disorders. Last evaluated: 2024-01-09. Review status: criteria provided, single submitter. Criteria: ACMG Guidelines, 2015. Collection method: clinical testing. Allele origin: germline. Affected: yes. Observed: 4 variant alleles.

Labcorp Genetics (formerly Invitae), Labcorp
Classification: Pathogenic. Last evaluated: 2023-05-14. Review status: criteria provided, single submitter. Criteria: Invitae Variant Classification Sherloc (09022015). Collection method: clinical testing. Allele origin: germline.
Comment: This sequence change creates a premature translational stop signal (p.Arg571*) in the IMPG1 gene. It is expected to result in an absent or disrupted protein product. Loss-of-function variants in IMPG1 are known to be pathogenic (PMID: 23993198). This variant is present in population databases (rs753636102, gnomAD 0.003%). This variant has not been reported in the literature in individuals affected with IMPG1-related conditions. ClinVar contains an entry for this variant (Variation ID: 1045928). For these reasons, this variant has been classified as Pathogenic.

Literature cited by the submitters: PubMed 23993198 (cited by Labcorp Genetics (formerly Invitae), Labcorp).

NM_001563.4(IMPG1):c.1711C>T (p.Arg571Ter)

Gene: IMPG1 (interphotoreceptor matrix proteoglycan 1; minus strand). Cytogenetic location: 6q14.1.
Variant type: single nucleotide variant.
Coding change: c.1711C>T on transcript NM_001563.4 (MANE Select); coding-DNA position 1711, C replaced by T.
Protein change: p.Arg571Ter; replaces arginine 571 with a stop codon.
Molecular consequence: nonsense.
Genome position (GRCh38, 1-based): chr6:75,950,675, G>A on the plus strand (C>T on the coding strand, the complement: IMPG1 is on the minus strand). VCF-style: chr6-75950675-G-A. GRCh37 (hg19) VCF-style: chr6-76660392-G-A.
Other names: c.1477C>T, p.Arg493Ter (NM_001282368.2); short protein forms R493*, R571*.
Identifiers: ClinVar variation 1045928 (VCV001045928.6), dbSNP rs753636102, ClinGen allele CA3898066.
Genomic context (GRCh38, chr6:75,950,675, plus strand): 5'-ACAGGTCGTTGGAGAAGGCCATGTTAGCAACACGCAGACTGAAGAACACTACCAGCTCTC[G>A]GCCCTTGGGGGCAATGGTCATAGAACTAGTGGTGATATACTGTAAAGCTGAGACAGGAGT-3'